The following is an entry in ClinVar:

NM_000090.4(COL3A1):c.2623C>T (p.Pro875Ser)

Gene: COL3A1 (collagen type III alpha 1 chain; plus strand). Cytogenetic location: 2q32.2.
Variant type: single nucleotide variant.
Coding change: c.2623C>T on transcript NM_000090.4 (MANE Select); coding-DNA position 2623, C replaced by T.
Protein change: p.Pro875Ser; replaces proline 875 with serine.
Molecular consequence: missense variant.
Genome position (GRCh38, 1-based): chr2:189,003,749, C>T. VCF-style: chr2-189003749-C-T. GRCh37 (hg19) VCF-style: chr2-189868475-C-T.
Other names: short protein forms P875S.
Identifiers: ClinVar variation 966966 (VCV000966966.12), dbSNP rs761222859, ClinGen allele CA075483.

ClinVar aggregate classification (germline): Uncertain significance. Review status: criteria provided, multiple submitters, no conflicts (2 of 4 stars). 3 submissions from 3 submitters: Uncertain significance (3). Last evaluated 2025-07-15.

Conditions:
Familial thoracic aortic aneurysm and aortic dissection (TAAD). Also called: Thoracic aortic aneurysms and dissections. Identifiers: Orphanet 91387, MedGen C4707243, MONDO:0019625.
Ehlers-Danlos syndrome, type 4 (EDSVASC). Also called: Ehlers-Danlos syndrome vascular type; Ehlers Danlos syndrome, ecchymotic type; Ehlers Danlos syndrome, arterial type; Ehlers Danlos syndrome, Sack-Barabas type; Ehlers-Danlos Syndrome Type IV. Identifiers: Orphanet 286, MedGen C0268338, MONDO:0017314, OMIM 130050.

Allele frequency attached by ClinVar (database versions not stated): ExAC 0.00001.

Submissions (3):

Ambry Genetics
Classification: Uncertain significance for Familial thoracic aortic aneurysm and aortic dissection. Last evaluated: 2025-07-15. Review status: criteria provided, single submitter. Criteria: Ambry Variant Classification Scheme 2023. Collection method: clinical testing. Allele origin: germline.
Comment: The p.P875S variant (also known as c.2623C>T), located in coding exon 38 of the COL3A1 gene, results from a C to T substitution at nucleotide position 2623. The proline at codon 875 is replaced by serine, an amino acid with similar properties. This amino acid position is highly conserved in available vertebrate species. In addition, the in silico prediction for this alteration is inconclusive. Based on the available evidence, the clinical significance of this variant remains unclear.

GeneDx
Classification: Uncertain significance. Last evaluated: 2023-06-13. Review status: criteria provided, single submitter. Criteria: GeneDx Variant Classification Process June 2021. Collection method: clinical testing. Allele origin: germline. Affected: yes.
Comment: Not observed at significant frequency in large population cohorts (gnomAD); In silico analysis supports that this missense variant has a deleterious effect on protein structure/function; Occurs in the triple helical domain at the Y position in the canonical Gly-X-Y repeat; although this variant may have an effect on normal protein folding and function, missense substitution at the Y position is not a common mechanism of disease (HGMD); Has not been previously published as pathogenic or benign to our knowledge

Labcorp Genetics (formerly Invitae), Labcorp
Classification: Uncertain significance for Ehlers-Danlos syndrome, type 4. Last evaluated: 2019-10-03. Review status: criteria provided, single submitter. Criteria: Invitae Variant Classification Sherloc (09022015). Collection method: clinical testing. Allele origin: germline.
Comment: Algorithms developed to predict the effect of missense changes on protein structure and function are either unavailable or do not agree on the potential impact of this missense change (SIFT: "Deleterious"; PolyPhen-2: "Not Available"; Align-GVGD: "Class C0"). This variant has not been reported in the literature in individuals with COL3A1-related conditions. The frequency data for this variant in the population databases is considered unreliable, as metrics indicate poor data quality at this position in the ExAC database. This sequence change replaces proline with serine at codon 875 of the COL3A1 protein (p.Pro875Ser). The proline residue is highly conserved and there is a moderate physicochemical difference between proline and serine. In summary, the available evidence is currently insufficient to determine the role of this variant in disease. Therefore, it has been classified as a Variant of Uncertain Significance.